The following is an entry in ClinVar:

NM_023110.3(FGFR1):c.176A>T (p.Asp59Val)

Gene: FGFR1 (fibroblast growth factor receptor 1; minus strand). Cytogenetic location: 8p11.23.
Variant type: single nucleotide variant.
Coding change: c.176A>T on transcript NM_023110.3 (MANE Select); coding-DNA position 176, A replaced by T.
Protein change: p.Asp59Val; replaces aspartic acid 59 with valine.
Molecular consequence: missense variant. On other transcripts: intron variant (5).
Genome position (GRCh38, 1-based): chr8:38,429,864, T>A on the plus strand (A>T on the coding strand, the complement: FGFR1 is on the minus strand). VCF-style: chr8-38429864-T-A. GRCh37 (hg19) VCF-style: chr8-38287382-T-A.
Other names: c.176A>T, p.Asp59Val (NM_001174063.2, NM_001174065.2, NM_001354367.2 and 3 more transcripts); c.152A>T, p.Asp51Val (NM_001174064.2); c.275A>T, p.Asp92Val (NM_001174067.2); c.92-1429A>T (NM_001354368.2, NM_001354370.2, NM_023106.3 and 2 more transcripts); short protein forms D92V, D51V, D59V.
Identifiers: ClinVar variation 3595610 (VCV003595610.3).

ClinVar aggregate classification (germline): Uncertain significance. Review status: criteria provided, multiple submitters, no conflicts (2 of 4 stars). 2 submissions from 2 submitters: Uncertain significance (2). Last evaluated 2024-03-20.

Conditions:
Hypogonadotropic hypogonadism 2 with or without anosmia (HH2). Also called: HYPOGONADOTROPIC HYPOGONADISM 2 WITHOUT ANOSMIA; HYPOGONADOTROPIC HYPOGONADISM 2 WITH OR WITHOUT ANOSMIA, SUSCEPTIBILITY TO; HYPOGONADOTROPIC HYPOGONADISM 2 WITHOUT ANOSMIA, SUSCEPTIBILITY TO; FGFR1-Related GnRH Deficiency (Kallmann Syndrome 2). Identifiers: Orphanet 478, MedGen C1563720, MONDO:0007844, OMIM 147950. Disease mechanism: loss of function.
Pfeiffer syndrome (ACS5). Also called: ACS V. Identifiers: Orphanet 710, MedGen C0220658, MONDO:0007043, OMIM 101600.
Jackson-Weiss syndrome (JWS). Also called: CRANIOSYNOSTOSIS, MIDFACIAL HYPOPLASIA, AND FOOT ABNORMALITIES. Identifiers: Orphanet 1540, MedGen C0795998, MONDO:0007400, OMIM 123150. Disease mechanism: loss of function.
Hartsfield-Bixler-Demyer syndrome (HRTFDS). Also called: Hartsfield syndrome; Holoprosencephaly, ectrodactyly, and bilateral cleft lip/palate; FGFR1-Related Hartsfield Syndrome. Identifiers: Orphanet 2117, MedGen C1845146, MONDO:0014196, OMIM 615465. Disease mechanism: loss of function.
Encephalocraniocutaneous lipomatosis (ECCL). Identifiers: Orphanet 2396, MedGen C0406612, MONDO:0013074, OMIM 613001.
Osteoglophonic dysplasia (OGD). Also called: Osteoglophonic dwarfism. Identifiers: Orphanet 2645, MedGen C0432283, MONDO:0008150, OMIM 166250.
Trigonocephaly 1 (TRIGNO1). Identifiers: Orphanet 3366, MedGen C0432122, MONDO:0008603, OMIM 190440.

gnomAD v4.1: 78 of 1,614,014 alleles (0.0048%); highest among the groups gnomAD compares: East Asian, 0.17%; no homozygotes.

Submissions (2):

Labcorp Genetics (formerly Invitae), Labcorp
Classification: Uncertain significance for Pfeiffer syndrome; Hypogonadotropic hypogonadism 2 with or without anosmia. Last evaluated: 2024-03-20. Review status: criteria provided, single submitter. Criteria: Invitae Variant Classification Sherloc (09022015). Collection method: clinical testing. Allele origin: germline.
Comment: This sequence change replaces aspartic acid, which is acidic and polar, with valine, which is neutral and non-polar, at codon 59 of the FGFR1 protein (p.Asp59Val). This variant is present in population databases (rs150042321, gnomAD 0.01%). This missense change has been observed in individual(s) with clinical features of Kallmann syndrome (PMID: 28915117, 35928375). Advanced modeling of protein sequence and biophysical properties (such as structural, functional, and spatial information, amino acid conservation, physicochemical variation, residue mobility, and thermodynamic stability) has been performed at Invitae for this missense variant, however the output from this modeling did not meet the statistical confidence thresholds required to predict the impact of this variant on FGFR1 protein function. In summary, the available evidence is currently insufficient to determine the role of this variant in disease. Therefore, it has been classified as a Variant of Uncertain Significance.

Fulgent Genetics
Classification: Uncertain significance for Pfeiffer syndrome; Jackson-Weiss syndrome; Hypogonadotropic hypogonadism 2 with or without anosmia; Osteoglophonic dysplasia; Trigonocephaly 1; Encephalocraniocutaneous lipomatosis; Hartsfield-Bixler-Demyer syndrome. Last evaluated: 2024-03-07. Review status: criteria provided, single submitter. Criteria: ACMG Guidelines, 2015. Collection method: clinical testing. Allele origin: germline.

Literature cited by the submitters: PubMed 28915117 (cited by Labcorp Genetics (formerly Invitae), Labcorp); PubMed 35928375 (cited by Labcorp Genetics (formerly Invitae), Labcorp).